The following is an entry in ClinVar:

NM_024334.3(TMEM43):c.1109T>C (p.Phe370Ser)

Gene: TMEM43 (transmembrane protein 43; plus strand). Cytogenetic location: 3p25.1.
Variant type: single nucleotide variant.
Coding change: c.1109T>C on transcript NM_024334.3 (MANE Select); coding-DNA position 1109, T replaced by C.
Protein change: p.Phe370Ser; replaces phenylalanine 370 with serine.
Molecular consequence: missense variant.
Genome position (GRCh38, 1-based): chr3:14,141,701, T>C. VCF-style: chr3-14141701-T-C. GRCh37 (hg19) VCF-style: chr3-14183201-T-C.
Other names: c.1103T>C, p.Phe368Ser (NM_001407277.1); c.1094T>C, p.Phe365Ser (NM_001407278.1); c.1034T>C, p.Phe345Ser (NM_001407279.1); c.959T>C, p.Phe320Ser (NM_001407280.1); c.1112T>C, p.Phe371Ser (NM_001407274.1); c.1106T>C, p.Phe369Ser (NM_001407275.1, NM_001407276.1); short protein forms F320S, F345S, F365S, F368S, F369S, F370S, F371S.
Identifiers: ClinVar variation 4082925 (VCV004082925.1).

ClinVar aggregate classification (germline): Uncertain significance (1 of 4 stars; one submission).

Submission:

GeneDx
Classification: Uncertain significance. Last evaluated: 2025-03-03. Review status: criteria provided, single submitter. Criteria: GeneDx Variant Classification Process June 2021. Collection method: clinical testing. Allele origin: germline. Affected: yes.
Comment: Not observed at significant frequency in large population cohorts (gnomAD); In silico analysis supports that this missense variant has a deleterious effect on protein structure/function; Has not been previously published as pathogenic or benign to our knowledge